The following is an entry in ClinVar:

NM_001005242.3(PKP2):c.1577del (p.Ala526fs)

Gene: PKP2 (plakophilin 2; minus strand). Cytogenetic location: 12p11.21.
Variant type: Deletion.
Coding change: c.1577del on transcript NM_001005242.3 (MANE Select); coding-DNA position 1577, one base deleted (C; older notation c.1577delC).
Protein change: p.Ala526fs; shifts the reading frame from alanine 526.
Molecular consequence: frameshift variant.
Genome position (GRCh38, 1-based): chr12:32,824,142, G deleted on the plus strand (C on the coding strand, the reverse complement: PKP2 is on the minus strand). VCF-style (leftmost placement, unchanged base first): chr12-32824141-AG-A. GRCh37 (hg19) VCF-style: chr12-32977075-AG-A.
Other names: c.1709delC (NM_004572.3); c.1709del, p.Ala570fs (NM_004572.4); short protein forms A570fs, A526fs.
Identifiers: ClinVar variation 45041 (VCV000045041.5), dbSNP rs397517005, ClinGen allele CA011338.
Genomic context (GRCh38, chr12:32,824,141, plus strand): 5'-GACATAATGGACCAGTGAGTCAATGAGTCCGTCACATCTTCTCATCGCTTTTCTCCCATC[AG>A]CGCCAGCAGAACTCATGTTTCTATCAGAAAAAACAAAAAACAAAAAAGTAAGTCTAGGCT-3'

ClinVar aggregate classification (germline): Likely pathogenic (1 of 4 stars; one submission).

Conditions:
Arrhythmogenic right ventricular cardiomyopathy (ARVD). Also called: Arrhythmogenic right ventricular dysplasia; Arrhythmogenic cardiomyopathy; Arrhythmogenic Right Ventricular Cardiomyopathy (ARVC); Cardiomyopathy, ARVC. Identifiers: Orphanet 247, MedGen C0349788, MeSH D019571, MONDO:0016587. Disease mechanism: loss of function. Inheritance: Various modes of inheritance.

Allele frequency attached by ClinVar (database versions not stated): gnomAD exomes below 0.00001.

Submission:

Laboratory for Molecular Medicine, Mass General Brigham Personalized Medicine
Classification: Likely pathogenic for Arrhythmogenic right ventricular cardiomyopathy. Last evaluated: 2010-11-15. Review status: criteria provided, single submitter. Criteria: LMM Criteria. Collection method: clinical testing. Allele origin: germline. Observed: 1 variant allele.
Comment: The Ala570fs variant is predicted to cause a frameshift, which alters the protei n's amino acid sequence beginning at codon 570 and leads to a premature stop cod on 7 amino acids downstream. This alteration is then predicted to lead to a trun cated or absent protein (loss of function). Loss of function variants in the PKP 2 gene are common in patients with ARVC, increasing the likelihood that the Ala5 70fs variant is disease causing. In addition, the variant has been reported in one individual with a clinical diagnosis of ARVD/C as well as in the father, who was an obligate carrier. It was absent from 400 control chromosomes, supportin g a pathogenic role (Syrris 2006, please note that the authors refer to this var iant as Val570fs). In summary, the Ala570fs variant is likely pathogenic.

Literature cited by the submitters: PubMed 16415378.